The following is an entry in ClinVar:

ClinVar aggregate classification (germline): Benign (1 of 4 stars; one submission).

Conditions:
Sessile serrated polyposis cancer syndrome (SSPCS). Identifiers: Orphanet 157798, MedGen C4310714, MONDO:0014919, OMIM 617108.

Submission:

Myriad Genetics, Inc.
Classification: Benign for Sessile serrated polyposis cancer syndrome. Last evaluated: 2026-07-01. Review status: criteria provided, single submitter. Criteria: Myriad Autosomal Dominant, Autosomal Recessive and X-Linked Classification Criteria (2023). Collection method: clinical testing. Allele origin: unknown.
Comment: This variant is considered benign. This variant is a silent/synonymous amino acid change and it is not expected to impact splicing.

NM_017763.6(RNF43):c.1494C>T (p.Cys498=)

Gene: RNF43 (ring finger protein 43; minus strand). Cytogenetic location: 17q22.
Variant type: single nucleotide variant.
Coding change: c.1494C>T on transcript NM_017763.6 (MANE Select); coding-DNA position 1494, C replaced by T.
Protein change: p.Cys498=; no amino-acid change (cysteine 498 retained).
Molecular consequence: synonymous variant.
Genome position (GRCh38, 1-based): chr17:58,358,282, G>A on the plus strand (C>T on the coding strand, the complement: RNF43 is on the minus strand). VCF-style: chr17-58358282-G-A. GRCh37 (hg19) VCF-style: chr17-56435643-G-A.
Other names: c.1494C>T, p.Cys498= (NM_001305544.3, NM_001438820.1, NM_001438821.1 and 1 more transcripts); c.1113C>T, p.Cys371= (NM_001305545.2, NM_001437987.1).
Identifiers: ClinVar variation 5042116 (VCV005042116.1).